The following is an entry in ClinVar:

ClinVar aggregate classification (germline): Uncertain significance (1 of 4 stars; one submission).

Allele frequency attached by ClinVar (database versions not stated): gnomAD 0.00001; gnomAD exomes 0.00001; ExAC 0.00002.
gnomAD v4.1: 7 of 1,612,036 alleles (0.00043%); highest among the groups gnomAD compares: South Asian, 0.0077%; no homozygotes.

Submission:

Labcorp Genetics (formerly Invitae), Labcorp
Classification: Uncertain significance. Last evaluated: 2022-09-01. Review status: criteria provided, single submitter. Criteria: Invitae Variant Classification Sherloc (09022015). Collection method: clinical testing. Allele origin: germline.
Comment: Algorithms developed to predict the effect of missense changes on protein structure and function (SIFT, PolyPhen-2, Align-GVGD) all suggest that this variant is likely to be tolerated. In summary, the available evidence is currently insufficient to determine the role of this variant in disease. Therefore, it has been classified as a Variant of Uncertain Significance. This variant has not been reported in the literature in individuals affected with TBCK-related conditions. This sequence change replaces aspartic acid, which is acidic and polar, with glutamic acid, which is acidic and polar, at codon 270 of the TBCK protein (p.Asp270Glu). This variant is present in population databases (rs761609016, gnomAD 0.007%).

NM_001163435.3(TBCK):c.810C>G (p.Asp270Glu)

Gene: TBCK (TBC1 domain containing kinase; minus strand). Cytogenetic location: 4q24.
Variant type: single nucleotide variant.
Coding change: c.810C>G on transcript NM_001163435.3 (MANE Select); coding-DNA position 810, C replaced by G.
Protein change: p.Asp270Glu; replaces aspartic acid 270 with glutamic acid.
Molecular consequence: missense variant.
Genome position (GRCh38, 1-based): chr4:106,247,260, G>C on the plus strand (C>G on the coding strand, the complement: TBCK is on the minus strand). VCF-style: chr4-106247260-G-C. GRCh37 (hg19) VCF-style: chr4-107168417-G-C.
Other names: c.810C>G, p.Asp270Glu (NM_001163436.4); c.693C>G, p.Asp231Glu (NM_001163437.3); c.294C>G, p.Asp98Glu (NM_001290768.2); c.621C>G, p.Asp207Glu (NM_033115.5); short protein forms D270E, D231E, D207E, D98E.
Identifiers: ClinVar variation 1978069 (VCV001978069.5), dbSNP rs761609016, ClinGen allele CA3035281.